The following is an entry in ClinVar:

ClinVar aggregate classification (germline): Uncertain significance (1 of 4 stars; one submission).

Conditions:
Cardiovascular phenotype. Identifiers: MedGen CN230736.

Submission:

Ambry Genetics
Classification: Uncertain significance for Cardiovascular phenotype. Last evaluated: 2024-02-10. Review status: criteria provided, single submitter. Criteria: Ambry Variant Classification Scheme 2023. Collection method: clinical testing. Allele origin: germline.
Comment: The p.A2716S variant (also known as c.8146G>T), located in coding exon 23 of the TNXB gene, results from a G to T substitution at nucleotide position 8146. The alanine at codon 2716 is replaced by serine, an amino acid with similar properties. This amino acid position is conserved. In addition, this alteration is predicted to be tolerated by in silico analysis. Based on the available evidence, the clinical significance of this alteration remains unclear.

NM_001365276.2(TNXB):c.8146G>T (p.Ala2716Ser)

Gene: TNXB (tenascin XB; minus strand). Cytogenetic location: 6p21.33.
Variant type: single nucleotide variant.
Coding change: c.8146G>T on transcript NM_001365276.2 (MANE Select); coding-DNA position 8146, G replaced by T.
Protein change: p.Ala2716Ser; replaces alanine 2716 with serine.
Molecular consequence: missense variant.
Genome position (GRCh38, 1-based): chr6:32,056,172, C>A on the plus strand (G>T on the coding strand, the complement: TNXB is on the minus strand). VCF-style: chr6-32056172-C-A. GRCh37 (hg19) VCF-style: chr6-32023949-C-A.
Other names: c.8887G>T, p.Ala2963Ser (NM_001428335.1); c.8146G>T, p.Ala2716Ser (NM_019105.8); short protein forms A2716S, A2963S.
Identifiers: ClinVar variation 3227334 (VCV003227334.1), dbSNP rs2483470898, ClinGen allele CA363549635.
Genomic context (GRCh38, chr6:32,056,172, plus strand): 5'-CCTCAGGGGGCTCCGGGGCCTCAGTGCTGAGTTCCGTGGGGCTGGGGGTCTCTTCCTCTG[C>A]AGCTGAGAAAAGGAGATATAGAGAGGATGCCAGGTGCCTGGGGGATGTGCTCAGGTCTTC-3'
Protein context (NP_001352205.1, residues 2706-2726): GPISVIGVTA[Ala2716Ser]EEETPSPTEL